The following is an entry in ClinVar:

NM_001127222.2(CACNA1A):c.4203del (p.Lys1401fs)

Genes: CACNA1A (calcium voltage-gated channel subunit alpha1 A; minus strand), LOC126862864 (MED14-independent group 3 enhancer GRCh37_chr19:13371552-13372751; plus strand). Cytogenetic location: 19p13.13.
Variant type: Deletion.
Coding change: c.4203del on transcript NM_001127222.2 (MANE Select); coding-DNA position 4203, one base deleted (A; older notation c.4203delA).
Protein change: p.Lys1401fs; shifts the reading frame from lysine 1401.
Molecular consequence: frameshift variant.
Genome position (GRCh38, 1-based): chr19:13,261,497, T deleted on the plus strand (A on the coding strand, the reverse complement: CACNA1A is on the minus strand); the first of 3 consecutive T bases (chr19:13,261,497-13,261,499); deleting any one gives the same sequence. VCF-style (leftmost placement, unchanged base first): chr19-13261496-AT-A. GRCh37 (hg19) VCF-style: chr19-13372310-AT-A.
Other names: c.4215del, p.Lys1405fs (NM_000068.4, NM_023035.3); c.4206del, p.Lys1402fs (NM_001127221.2, NM_001174080.2); short protein forms K1401fs, K1405fs, K1402fs.
Identifiers: ClinVar variation 2034339 (VCV002034339.4), dbSNP rs2512759285, ClinGen allele CA2580096682.

ClinVar aggregate classification (germline): Pathogenic (1 of 4 stars; one submission).

Conditions:
Episodic ataxia type 2 (EA2). Also called: ATAXIA, EPISODIC, WITH NYSTAGMUS; ATAXIA, FAMILIAL PAROXYSMAL; CEREBELLAR ATAXIA, PAROXYSMAL, ACETAZOLAMIDE-RESPONSIVE; CEREBELLOPATHY, HEREDITARY PAROXYSMAL; ACETAZOLAMIDE-RESPONSIVE HEREDITARY PAROXYSMAL CEREBELLAR ATAXIA; EPISODIC ATAXIA, NYSTAGMUS-ASSOCIATED. Identifiers: Orphanet 97, MedGen C1720416, MONDO:0007163, OMIM 108500.
Developmental and epileptic encephalopathy, 42 (DEE42A). Also called: Epileptic encephalopathy, early infantile, 42; DEVELOPMENTAL AND EPILEPTIC ENCEPHALOPATHY 42A; EPILEPTIC ENCEPHALOPATHY, EARLY INFANTILE, 42A. Identifiers: MedGen C4310716, MONDO:0014917, OMIM 617106.

Submission:

Labcorp Genetics (formerly Invitae), Labcorp
Classification: Pathogenic for Developmental and epileptic encephalopathy, 42; Episodic ataxia type 2. Last evaluated: 2022-10-06. Review status: criteria provided, single submitter. Criteria: Invitae Variant Classification Sherloc (09022015). Collection method: clinical testing. Allele origin: germline.
Comment: This variant has not been reported in the literature in individuals affected with CACNA1A-related conditions. This variant is not present in population databases (gnomAD no frequency). This sequence change creates a premature translational stop signal (p.Lys1402Asnfs*28) in the CACNA1A gene. It is expected to result in an absent or disrupted protein product. Loss-of-function variants in CACNA1A are known to be pathogenic (PMID: 10371528, 19486177, 25735478, 27250579). For these reasons, this variant has been classified as Pathogenic.

Literature cited by the submitters: PubMed 10371528; PubMed 19486177; PubMed 25735478; PubMed 27250579.